The following is an entry in ClinVar:

ClinVar aggregate classification (germline): Pathogenic/Likely pathogenic. Review status: criteria provided, multiple submitters, no conflicts (2 of 4 stars). 12 submissions from 12 submitters: Pathogenic (9); Likely pathogenic (1). 2 of the submissions do not count toward it. Last evaluated 2026-01-07.

Conditions:
SCN2A-related disorder. Also called: SCN2A-related disorders; SCN2A-related condition. Identifiers: MedGen CN382226, MONDO:1060245.
Developmental and epileptic encephalopathy, 11 (DEE11). Also called: Early infantile epileptic encephalopathy 11. Identifiers: Orphanet 1934, MedGen C3150987, MONDO:0013388, OMIM 613721.
Episodic ataxia, type 9. Identifiers: MedGen C5394520, MONDO:0030064, OMIM 618924.
Seizures, benign familial infantile, 3 (BFIS3). Also called: Familial neonatal seizures; CONVULSIONS, BENIGN FAMILIAL INFANTILE, 3. Identifiers: Orphanet 140927, Orphanet 306, MedGen C1843140, MONDO:0011904, OMIM 607745.
Complex neurodevelopmental disorder. Identifiers: Orphanet 528084, MedGen C5568766, MONDO:0100038.
West syndrome. Also called: Infantile epileptic spasms syndrome. Identifiers: Orphanet 3451, Orphanet 697160, MedGen C0037769, MONDO:0018097. Disease mechanism: loss of function.

Submissions (13):

Victorian Clinical Genetics Services, Murdoch Childrens Research Institute
Classification: Pathogenic for Complex neurodevelopmental disorder. Last evaluated: 2026-01-07. Review status: criteria provided, single submitter. Criteria: ACMG Guidelines, 2015. Collection method: clinical testing. Allele origin: germline. Affected: yes.
Comment: This variant is classified as Pathogenic. Evidence in support of pathogenic classification: Variant is absent from gnomAD (v2, v3 and v4); This variant has strong previous evidence of pathogenicity in unrelated individuals. This variant has been classified as pathogenic and likely pathogenic by multiple clinical laboratories in ClinVar; Missense variant predicted to be damaging by in silico tool(s) or highly conserved with a major amino acid change; Additional information: Variant is predicted to result in a missense amino acid change from Glu to Lys; This variant is heterozygous; This gene is associated with autosomal dominant disease; Variant is located in the annotated ion transport protein domain (DECIPHER); Loss of function and gain of function are known mechanisms of disease in this gene. Variants causing a gain of function result in developmental and epileptic encephalopathy 11 (MIM#613721) or benign familial infantile seizures 3 (MIM#607745), whereas variants causing loss of function result in autism spectrum disorder and/or intellectual disability, with or without childhood-onset seizures (OMIM, PMIDs: 29691040, 31904126); Variants in this gene are known to have variable expressivity (OMIM).

Dasa
Classification: Pathogenic. Last evaluated: 2026-01-06. Review status: criteria provided, single submitter. Criteria: DASA Assertion Criteria. Collection method: clinical testing. Allele origin: germline.
Comment: NM_001040142.2(SCN2A):c.3631G>A (p.Glu1211Lys) is a missense variant that results in the substitution of glutamic acid with lysine. De novo occurrence has been reported in an individual with related phenotype. Functional evidence supports a deleterious effect on the gene or gene product (PMID: 19786696; PMID: 28379373; PMID: 25459969; PMID: 35637276). This variant has been recurrently observed in individuals with related phenotype (PMID: 19786696; PMID: 28379373; PMID: 25459969; PMID: 35637276). Multiple computational predictions support a deleterious effect on the gene or gene product. The variant is present at low frequency in population datasets. Based on the available data, this variant is classified as pathogenic.

Labcorp Genetics (formerly Invitae), Labcorp
Classification: Pathogenic for Seizures, benign familial infantile, 3; Developmental and epileptic encephalopathy, 11. Last evaluated: 2024-10-22. Review status: criteria provided, single submitter. Criteria: Invitae Variant Classification Sherloc (09022015). Collection method: clinical testing. Allele origin: germline.
Comment: This sequence change replaces glutamic acid, which is acidic and polar, with lysine, which is basic and polar, at codon 1211 of the SCN2A protein (p.Glu1211Lys). This variant is not present in population databases (gnomAD no frequency). This missense change has been observed in individual(s) with clinical features of early infantile epileptic encephalopathy (PMID: 19786696, 25326637, 25459969, 28379373). In at least one individual the variant was observed to be de novo. ClinVar contains an entry for this variant (Variation ID: 29886). Invitae Evidence Modeling of protein sequence and biophysical properties (such as structural, functional, and spatial information, amino acid conservation, physicochemical variation, residue mobility, and thermodynamic stability) indicates that this missense variant is expected to disrupt SCN2A protein function with a positive predictive value of 95%. Experimental studies are conflicting or provide insufficient evidence to determine the effect of this variant on SCN2A function (PMID: 19786696). For these reasons, this variant has been classified as Pathogenic.

GeneDx
Classification: Pathogenic. Last evaluated: 2024-07-24. Review status: criteria provided, single submitter. Criteria: GeneDx Variant Classification Process June 2021. Collection method: clinical testing. Allele origin: germline. Affected: yes.
Comment: Published functional studies demonstrate a damaging effect and suggest that this variant alters the channel activity of the SCN2A protein (PMID: 19786696, 37578743); In silico analysis supports that this missense variant has a deleterious effect on protein structure/function; Not observed at significant frequency in large population cohorts (gnomAD); This substitution is predicted to be within the transmembrane segment S1 of the third homologous domain; This variant is associated with the following publications: (PMID: 19786696, 28379373, 29655203, 32090326, 33057194, 25459969, 32651551, 35431799, 36084525, 37329172, 35982159, 31440721, 37578743, 34489640)

Blueprint Genetics
Classification: Pathogenic for SCN2A-related disorders. Last evaluated: 2023-06-01. Review status: criteria provided, single submitter. Criteria: ACMG Guidelines, 2015. Collection method: clinical testing. Allele origin: germline. Affected: yes. Observed: 1 variant allele.

Laboratory of Medical Genetics, National & Kapodistrian University of Athens
Classification: Pathogenic for Developmental and epileptic encephalopathy, 11. Last evaluated: 2022-09-28. Review status: criteria provided, single submitter. Criteria: ACMG Guidelines, 2015. Collection method: clinical testing. Allele origin: germline. Affected: yes.
Comment: PM2, PP3, PP5

UCLA Clinical Genomics Center, UCLA
Classification: Likely pathogenic for Early infantile epileptic encephalopathy 11. Last evaluated: 2013-07-16. Review status: criteria provided, single submitter. Criteria: Lee et al. (JAMA. 2014). Collection method: clinical testing. Allele origin: de novo. Inheritance: Autosomal dominant inheritance. Affected: yes. Study: CES.

Genetic Services Laboratory, University of Chicago
Classification: Pathogenic for Seizures, benign familial infantile, 3. Last evaluated: 2013-05-15. Review status: criteria provided, single submitter. Criteria: ACMG Guidelines, 2007. Collection method: clinical testing. Allele origin: germline. Inheritance: Autosomal dominant inheritance. Affected: yes.

Juno Genomics, Hangzhou Juno Genomics, Inc
Classification: Pathogenic for Developmental and epileptic encephalopathy, 11; Episodic ataxia, type 9; Seizures, benign familial infantile, 3. Review status: criteria provided, single submitter. Criteria: ACMG Guidelines, 2015. Collection method: clinical testing. Allele origin: germline. Affected: yes.
Comment: Absent from controls (or at extremely low frequency if recessive) in Genome Aggregation Database, Exome Sequencing Project, 1000 Genomes Project, or Exome Aggregation Consortium.;The prevalence of the variant in affected individuals is significantly increased compared to the prevalence in controls.;De novo (both maternity and paternity confirmed) in a patient with the disease and no family history.;Patient's phenotype or family history is highly specific for a disease with a single genetic etiology.;Multiple lines of computational evidence support a deleterious effect on the gene or gene product (conservation, evolutionary, splicing impact, etc).;Missense variant in a gene that has a low rate of benign missense variation and where missense variants are a common mechanism of disease.

Neuberg Centre For Genomic Medicine, NCGM
Classification: Pathogenic for Developmental and epileptic encephalopathy, 11. Review status: criteria provided, single submitter. Criteria: ACMG Guidelines, 2015. Collection method: clinical testing. Allele origin: germline. Inheritance: Autosomal dominant inheritance. Affected: yes.
Comment: The amino acid Glu at position 1211 is changed to a Lys changing protein sequence and it might alter its composition and physico-chemical properties. This variant has been reported in individuals with clinical features of early infantile epileptic encephalopathy (Ogiwara et al, 2009, Lee et al, 2014). Experimental studies have shown that this missense change significantly changed the functional property of the sodium channels leading to both augmented and reduced channel activities by electrophysiological analyses in the cells (Ogiwara et al, 2009). The p.Glu1211Lys variant is novel (not in any individuals) in gnomAD Exomes and 1000 Genomes. The variant is predicted to be damaging by both SIFT and PolyPhen2. The residue is conserved across species. The amino acid change p.Glu1211Lys in SCN2A is predicted as conserved by GERP++ and PhyloP across 100 vertebrates. For these reasons, this variant has been classified as Pathogenic.

Neurology Department, Shenzhen Children's Hospital
Classification: Pathogenic. Last evaluated: 2022-02-16. Review status: no assertion criteria provided. Collection method: clinical testing. Allele origin: de novo. Affected: yes. Observed: 3 variant alleles. Not counted in ClinVar's aggregate classification.

OMIM
Classification: Pathogenic for DEVELOPMENTAL AND EPILEPTIC ENCEPHALOPATHY 11. Last evaluated: 2009-09-29. Review status: no assertion criteria provided. Collection method: literature only. Allele origin: germline. Not counted in ClinVar's aggregate classification.

Channelopathy-Associated Epilepsy Research Center
No classification provided (evidence only). Condition: Complex neurodevelopmental disorder. Review status: no classification provided. Collection method: literature only. Allele origin: not applicable. Functional consequence: Severe hyperpolarizing shift of voltage dependence of activation, Severe hyperpolarizing shift of voltage dependence of fast inactivation, Mild-moderate slowing of recovery from fast inactivation, Overall mixed or unclear functional effect not able to be clearly categorized as Gain- or Loss-of-Function. Not counted in ClinVar's aggregate classification.
ClinVar note: "not provided" was previously submitted as the classification for the variant. However, the classification appeared to be based only on an observation of functional data so it was converted to no classification on 2025-07-30.

Literature cited by the submitters: PubMed 31904126 (cited by Victorian Clinical Genetics Services, Murdoch Childrens Research Institute); PubMed 29691040 (cited by Victorian Clinical Genetics Services, Murdoch Childrens Research Institute); PubMed 19786696 (cited by 4 submitters); PubMed 28379373 (cited by Dasa and Labcorp Genetics (formerly Invitae), Labcorp); PubMed 25459969 (cited by Dasa and Labcorp Genetics (formerly Invitae), Labcorp); PubMed 35637276 (cited by Dasa); PubMed 25326637 (cited by Labcorp Genetics (formerly Invitae), Labcorp).

NM_001040142.2(SCN2A):c.3631G>A (p.Glu1211Lys)

Gene: SCN2A (sodium voltage-gated channel alpha subunit 2; plus strand). Cytogenetic location: 2q24.3.
Variant type: single nucleotide variant.
Coding change: c.3631G>A on transcript NM_001040142.2 (MANE Select); coding-DNA position 3631, G replaced by A.
Protein change: p.Glu1211Lys; replaces glutamic acid 1211 with lysine.
Molecular consequence: missense variant.
Genome position (GRCh38, 1-based): chr2:165,367,327, G>A. VCF-style: chr2-165367327-G-A. GRCh37 (hg19) VCF-style: chr2-166223837-G-A.
Other names: p.E1211K:GAA>AAA; c.3631G>A, p.Glu1211Lys (NM_001040143.2, NM_001371246.1, NM_001371247.1 and 1 more transcripts); short protein forms E1211K.
Identifiers: ClinVar variation 29886 (VCV000029886.33), dbSNP rs387906684, ClinGen allele CA128708.